The following is an entry in ClinVar:

NM_138813.4(ATP8B3):c.3249C>T (p.Ile1083=)

Gene: ATP8B3 (ATPase phospholipid transporting 8B3; minus strand). Cytogenetic location: 19p13.3.
Variant type: single nucleotide variant.
Coding change: c.3249C>T on transcript NM_138813.4 (MANE Select); coding-DNA position 3249, C replaced by T.
Protein change: p.Ile1083=; no amino-acid change (isoleucine 1083 retained).
Molecular consequence: synonymous variant. On other transcripts: non-coding transcript variant (1).
Genome position (GRCh38, 1-based): chr19:1,785,613, G>A on the plus strand (C>T on the coding strand, the complement: ATP8B3 is on the minus strand). VCF-style: chr19-1785613-G-A. GRCh37 (hg19) VCF-style: chr19-1785612-G-A.
Other names: c.3138C>T, p.Ile1046= (NM_001178002.3).
Identifiers: ClinVar variation 2648945 (VCV002648945.24), dbSNP rs200569321, ClinGen allele CA9050971.

ClinVar aggregate classification (germline): Likely benign (1 of 4 stars; one submission).

Allele frequency attached by ClinVar (database versions not stated): 1000 Genomes Project 0.00020; 1000 Genomes Project 30x 0.00031; ESP Exome Variant Server 0.00047.
gnomAD v4.1: 487 of 1,613,286 alleles (0.03%); highest among the groups gnomAD compares: Middle Eastern, 0.28%; 1 homozygote.

Submission:

CeGaT Center for Human Genetics Tuebingen
Classification: Likely benign. Last evaluated: 2022-09-01. Review status: criteria provided, single submitter. Criteria: CeGaT Center For Human Genetics Tuebingen Variant Classification Criteria Version 2. Collection method: clinical testing. Allele origin: germline. Affected: yes. Observed: 1 variant allele.
Comment: ATP8B3: BP4, BP7